The following is an entry in ClinVar:

NM_080632.3(UPF3B):c.1196C>T (p.Thr399Ile)

Gene: UPF3B (UPF3B regulator of nonsense mediated mRNA decay; minus strand). Cytogenetic location: Xq24.
Variant type: single nucleotide variant.
Coding change: c.1196C>T on transcript NM_080632.3 (MANE Select); coding-DNA position 1196, C replaced by T.
Protein change: p.Thr399Ile; replaces threonine 399 with isoleucine.
Molecular consequence: missense variant.
Genome position (GRCh38, 1-based): chrX:119,837,863, G>A on the plus strand (C>T on the coding strand, the complement: UPF3B is on the minus strand). VCF-style: chrX-119837863-G-A. GRCh37 (hg19) VCF-style: chrX-118971826-G-A.
Other names: c.1157C>T, p.Thr386Ile (NM_023010.4); short protein forms T399I, T386I.
Identifiers: ClinVar variation 1919245 (VCV001919245.5), dbSNP rs774746357, ClinGen allele CA10503171.

ClinVar aggregate classification (germline): Uncertain significance (1 of 4 stars; one submission).

Conditions:
Intellectual developmental disorder, X-linked, syndromic 14. Also called: Syndromic X-linked intellectual disability 14. Identifiers: Orphanet 776, MedGen C1970822, MONDO:0010398, OMIM 300676.

Allele frequency attached by ClinVar (database versions not stated): gnomAD exomes 0.00001; TOPMed 0.00001; ExAC 0.00001.
gnomAD v4.1: 3 of 1,210,836 alleles (0.00025%); highest among the groups gnomAD compares: South Asian, 0.0018%; no homozygotes.

Submission:

Labcorp Genetics (formerly Invitae), Labcorp
Classification: Uncertain significance for Intellectual developmental disorder, X-linked, syndromic 14. Last evaluated: 2022-03-31. Review status: criteria provided, single submitter. Criteria: Invitae Variant Classification Sherloc (09022015). Collection method: clinical testing. Allele origin: germline.
Comment: In summary, the available evidence is currently insufficient to determine the role of this variant in disease. Therefore, it has been classified as a Variant of Uncertain Significance. Algorithms developed to predict the effect of missense changes on protein structure and function (SIFT, PolyPhen-2, Align-GVGD) all suggest that this variant is likely to be tolerated. This variant has not been reported in the literature in individuals affected with UPF3B-related conditions. This variant is present in population databases (rs774746357, gnomAD 0.001%). This sequence change replaces threonine, which is neutral and polar, with isoleucine, which is neutral and non-polar, at codon 399 of the UPF3B protein (p.Thr399Ile).